The following is an entry in ClinVar:

ClinVar aggregate classification (germline): Uncertain significance (1 of 4 stars; one submission).

Conditions:
Cortical dysplasia-focal epilepsy syndrome (PTHSL1). Also called: Pitt-Hopkins-like syndrome 1. Identifiers: Orphanet 163681, Orphanet 221150, MedGen C2750246, MONDO:0012400, OMIM 610042.

Submission:

Labcorp Genetics (formerly Invitae), Labcorp
Classification: Uncertain significance for Cortical dysplasia-focal epilepsy syndrome. Last evaluated: 2022-03-06. Review status: criteria provided, single submitter. Criteria: Invitae Variant Classification Sherloc (09022015). Collection method: clinical testing. Allele origin: germline.
Comment: This sequence change replaces valine, which is neutral and non-polar, with glycine, which is neutral and non-polar, at codon 1271 of the CNTNAP2 protein (p.Val1271Gly). This variant is not present in population databases (gnomAD no frequency). This variant has not been reported in the literature in individuals affected with CNTNAP2-related conditions. Algorithms developed to predict the effect of missense changes on protein structure and function are either unavailable or do not agree on the potential impact of this missense change (SIFT: "Deleterious"; PolyPhen-2: "Probably Damaging"; Align-GVGD: "Class C0"). In summary, the available evidence is currently insufficient to determine the role of this variant in disease. Therefore, it has been classified as a Variant of Uncertain Significance.

NM_014141.6(CNTNAP2):c.3812T>G (p.Val1271Gly)

Gene: CNTNAP2 (contactin associated protein 2; plus strand). Cytogenetic location: 7q36.1.
Variant type: single nucleotide variant.
Coding change: c.3812T>G on transcript NM_014141.6 (MANE Select); coding-DNA position 3812, T replaced by G.
Protein change: p.Val1271Gly; replaces valine 1271 with glycine.
Molecular consequence: missense variant.
Genome position (GRCh38, 1-based): chr7:148,415,432, T>G. VCF-style: chr7-148415432-T-G. GRCh37 (hg19) VCF-style: chr7-148112524-T-G.
Other names: short protein forms V1271G.
Identifiers: ClinVar variation 2107412 (VCV002107412.4), dbSNP rs2485759973, ClinGen allele CA369706674.
Genomic context (GRCh38, chr7:148,415,432, plus strand): 5'-TCCCAAGCCCTGTCTAACCTCTCGTGCTTCTCCTTTCTCCGTCAGGCGTCATTGCTGTGG[T>G]GATTTTCACCATCCTGTGCACCCTGGTCTTCCTGATCCGGTACATGTTCCGCCACAAGGG-3'
Protein context (NP_054860.1, residues 1261-1281): SAIIGGVIAV[Val1271Gly]IFTILCTLVF